The following is an entry in ClinVar:

NM_001085049.3(MRAS):c.68G>T (p.Gly23Val)

Gene: MRAS (muscle RAS oncogene homolog; plus strand). Cytogenetic location: 3q22.3.
Variant type: single nucleotide variant.
Coding change: c.68G>T on transcript NM_001085049.3 (MANE Select); coding-DNA position 68, G replaced by T.
Protein change: p.Gly23Val; replaces glycine 23 with valine.
Molecular consequence: missense variant. On other transcripts: intron variant (3).
Genome position (GRCh38, 1-based): chr3:138,372,951, G>T. VCF-style: chr3-138372951-G-T. GRCh37 (hg19) VCF-style: chr3-138091793-G-T.
Other names: NM_001085049.3(MRAS):c.68G>T; p.Gly23Val; c.68G>T, p.Gly23Val (NM_001252090.2, NM_012219.4); c.-35-24373G>T (NM_001252091.1); c.-36+24184G>T (NM_001252093.2); c.-36+23919G>T (NM_001252092.2); short protein forms G23V.
Identifiers: ClinVar variation 635781 (VCV000635781.9), dbSNP rs1576359216, ClinGen allele CA354671596.
Genomic context (GRCh38, chr3:138,372,951, plus strand): 5'-CCAGCGCCGTCCCCAGTGACAACCTCCCCACATACAAGCTGGTGGTGGTGGGGGATGGGG[G>T]TGTGGGCAAAAGTGCCCTCACCATCCAGTTTTTCCAGAAGATCTTTGTGCCTGACTATGA-3'
Protein context (NP_001078518.1, residues 13-33): TYKLVVVGDG[Gly23Val]VGKSALTIQF

ClinVar aggregate classification (germline): Likely pathogenic. Review status: reviewed by expert panel (3 of 4 stars). 8 submissions from 8 submitters: Likely pathogenic (1). 7 of the submissions do not count toward it. Last evaluated 2024-09-17.

Conditions:
RASopathy. Also called: rasopathies; Noonan spectrum disorder. Identifiers: Orphanet 536391, MedGen C5555857, MONDO:0021060.
Noonan syndrome 11. Identifiers: MedGen C5193130, MONDO:0032786, OMIM 618499.

Allele frequency attached by ClinVar (database versions not stated): gnomAD exomes below 0.00001.
gnomAD v4.1: 1 of 1,564,706 alleles (0.000064%); highest among the groups gnomAD compares: Non-Finnish European, 0.000086%; no homozygotes.

Submissions (8):

ClinGen RASopathy Variant Curation Expert Panel
Classification: Likely pathogenic for RASopathy. Last evaluated: 2024-09-17. Review status: reviewed by expert panel. Criteria: ClinGen RASopathy ACMG Specifications MRAS V1.1.0. Collection method: curation. Allele origin: germline. Inheritance: Autosomal dominant inheritance.
Comment: The c.68G>T (p.Gly23Val) variant in MRAS is a missense variant predicted to cause substitution of glycine by valine at amino acid 23. This variant has a minor allele frequency of 0.00008624% (1/1159522) in the European (non-Finnish) population in gnomAD v4 (PM2_Supporting). The computational predictor REVEL gives a score of 0.923, which is above the threshold of 0.7, evidence that correlates with impact to MRAS function (PP3). This variant resides within the P-loop (amino acids 20 – 27) of MRAS that is defined as a critical functional domain by the ClinGen RASopathy VCEP (PM1). This variant has been identified in 1 individual with features of RASopathy (PS4_Supporting; PMID:28289718). This variant has been identified as a de novo occurrence with confirmed parental relationships in 1 individual with features of RASopathy (PS2; PMID:28289718). RAS and ERK activation assays in HEK293T/17 showed constitutively active forms of MRAS indicating that this variant impacts protein function (PMID:28289718) (PS3_Moderate). Given the Moderate strength of gene-disease relationship between MRAS and autosomal dominant RASopathy, ClinGen’s sequence variant interpretation working group does not recommend the classification of variants in this gene beyond likely pathogenic. Based on ACMG/AMP criteria alone, this variant has enough supporting evidence to be classified as pathogenic; however, the RASopathy VCEP has downgraded this classification to likely pathogenic based on ClinGen policy. In summary, this variant currently meets the criteria to be classified as likely pathogenic for autosomal dominant RASopathy based on the ACMG/AMP criteria applied, as specified by the ClinGen RASopathy VCEP: PS2, PS3_M, PM1, PS4_P, PM2_P, PP3. (RASopathy VCEP specifications version 1.1; 9/17/2024)

Labcorp Genetics (formerly Invitae), Labcorp
Classification: Pathogenic. Last evaluated: 2024-11-19. Review status: criteria provided, single submitter. Criteria: Invitae Variant Classification Sherloc (09022015). Collection method: clinical testing. Allele origin: germline. Not counted in ClinVar's aggregate classification.
Comment: This sequence change replaces glycine, which is neutral and non-polar, with valine, which is neutral and non-polar, at codon 23 of the MRAS protein (p.Gly23Val). This variant is not present in population databases (gnomAD no frequency). This missense change has been observed in individual(s) with Noonan syndrome with hypertrophic cardiomyopathy (PMID: 28289718). In at least one individual the variant was observed to be de novo. ClinVar contains an entry for this variant (Variation ID: 635781). An algorithm developed to predict the effect of missense changes on protein structure and function (PolyPhen-2) suggests that this variant is likely to be disruptive. Experimental studies have shown that this missense change affects MRAS function (PMID: 28289718, 31108500). This variant disrupts the p.Gly23 amino acid residue in MRAS. Other variant(s) that disrupt this residue have been determined to be pathogenic (PMID: 31108500). This suggests that this residue is clinically significant, and that variants that disrupt this residue are likely to be disease-causing. For these reasons, this variant has been classified as Pathogenic.

Neuberg Centre For Genomic Medicine, NCGM
Classification: Pathogenic for Noonan syndrome 11. Last evaluated: 2023-05-20. Review status: criteria provided, single submitter. Criteria: ACMG Guidelines, 2015. Collection method: clinical testing. Allele origin: germline. Inheritance: Autosomal dominant inheritance. Affected: yes. Not counted in ClinVar's aggregate classification.
Comment: The observed missense variant c.68G>T(p.Gly23Val) in MRAS gene has been reported previously in individual(s) with Noonan syndrome. A different missense change at the same codon (p.Gly23Arg) has been reported to be associated with MRAS related disorder. Functional studies provide moderate evidence of the variant having a damaging effect on the gene or gene product (Motta M, et al., 2020; Higgins EM, et al., 2019). This variant is absent in the gnomAD Exomes. This variant has been reported to the ClinVar database as Pathogenic. The amino acid Glycine at position 23 is changed to a Valine changing protein sequence and it might alter its composition and physico-chemical properties. Multiple lines of computational evidence (Polyphen - Possibly damaging, SIFT – Damaging and MutationTaster - Disease causing) predict a damaging effect on protein structure and function for this variant. The residue is conserved by GERP++ and PhyloP across 100 vertebrates. For these reasons, this variant has been classified as Pathogenic.

3billion
Classification: Pathogenic for Noonan syndrome 11. Last evaluated: 2023-02-23. Review status: criteria provided, single submitter. Criteria: ACMG Guidelines, 2015. Collection method: clinical testing. Allele origin: unknown. Affected: yes. Not counted in ClinVar's aggregate classification.
Comment: The variant is not observed in the gnomAD v2.1.1 dataset. Missense changes are a common disease-causing mechanism. Functional studies provide moderate evidence of the variant having a damaging effect on the gene or gene product (PMID: 28289718). In silico tool predictions suggest damaging effect of the variant on gene or gene product (REVEL: 0.92; 3Cnet: 0.84). Same nucleotide change resulting in same amino acid change has been previously reported as pathogenic/likely pathogenic with strong evidence (ClinVar ID: VCV000635781). A different missense change at the same codon (p.Gly23Arg) has been reported to be associated with MRAS related disorder (ClinVar ID: VCV000560681 / PMID: 31108500). Therefore, this variant is classified as Pathogenic according to the recommendation of ACMG/AMP guideline.

Women's Health and Genetics/Laboratory Corporation of America, LabCorp
Classification: Pathogenic for RASopathy. Last evaluated: 2023-02-07. Review status: criteria provided, single submitter. Criteria: LabCorp Variant Classification Summary - May 2015. Collection method: clinical testing. Allele origin: germline. Not counted in ClinVar's aggregate classification.
Comment: Variant summary: MRAS c.68G>T (p.Gly23Val) results in a non-conservative amino acid change located in the small GTP-binding protein domain (IPR005225) of the encoded protein sequence. Five of five in-silico tools predict a damaging effect of the variant on protein function. The variant was absent in 208010 control chromosomes (gnomAD). c.68G>T has been reported in the literature as a de novo occurrence in an individual affected with Noonan Syndrome with Cardiac Hypertrophy (Higgins_2017). This suggests that the variant is likely associated with disease. Several publications report experimental evidence evaluating an impact on protein function and found that the variant results in a gain of function (e.g. Higgins_2017, Motta_2020). The variant causes an overactivation of the RAS/MAPK pathway with up to 40-fold more GTP loading than WT MRAS after stimulation with EGF, indicating that the variant protein is constituatively active (Higgins_2017). Additionally, the variant was found to elicit a cardiac hypertrophy phenotype in iPSC-derived cardiomyocytes that includes increased cell size, changes in cardiac gene expression, and abnormal calcium handling (Higgins_2019). Two submitters have provided clinical-significance assessments for this variant to ClinVar after 2014 and both classified the variant as pathogenic. Based on the evidence outlined above, the variant was classified as pathogenic.

Eurofins-Biomnis
Classification: Pathogenic for Noonan syndrome 11. Last evaluated: 2022-11-03. Review status: criteria provided, single submitter. Criteria: Accession Criteria ClinVar Biomnis. Collection method: clinical testing. Allele origin: de novo. Affected: yes. Observed: 1 heterozygote. Not counted in ClinVar's aggregate classification.

Baylor Genetics
Classification: Pathogenic for Noonan syndrome 11. Last evaluated: 2020-06-18. Review status: criteria provided, single submitter. Criteria: ACMG Guidelines, 2015. Collection method: clinical testing. Allele origin: unknown. Affected: yes. Not counted in ClinVar's aggregate classification.
Comment: This variant was determined to be pathogenic according to ACMG Guidelines, 2015 [PMID:25741868].

OMIM
Classification: Pathogenic for NOONAN SYNDROME 11. Last evaluated: 2019-07-11. Review status: no assertion criteria provided. Collection method: literature only. Allele origin: germline. Not counted in ClinVar's aggregate classification.

Literature cited by the submitters: PubMed 28289718 (cited by 5 submitters); PubMed 31108500 (cited by 3 submitters); PubMed 31638832 (cited by Women's Health and Genetics/Laboratory Corporation of America, LabCorp); PubMed 30348783 (cited by OMIM).